The following is an entry in ClinVar:

ClinVar aggregate classification (germline): Benign. Review status: criteria provided, multiple submitters, no conflicts (2 of 4 stars). 3 submissions from 3 submitters: Benign (2). 1 of the submissions does not count toward it. Last evaluated 2018-02-26.

Conditions:
ITSN1-related disorder. Also called: ITSN1-related condition.

Allele frequency attached by ClinVar (database versions not stated): gnomAD exomes 0.00073 and 0.00204; ExAC 0.00267; gnomAD 0.00762 and 0.00803; TOPMed 0.00882; 1000 Genomes Project 0.01018; 1000 Genomes Project 30x 0.01093; ESP Exome Variant Server 0.01123.
gnomAD v4.1: 2,278 of 1,613,716 alleles (0.14%); highest among the groups gnomAD compares: African/African-American, 2.7%; 29 homozygotes.

Submissions (3):

Labcorp Genetics (formerly Invitae), Labcorp
Classification: Benign. Last evaluated: 2018-02-26. Review status: criteria provided, single submitter. Criteria: Invitae Variant Classification Sherloc (09022015). Collection method: clinical testing. Allele origin: germline.

Breakthrough Genomics
Classification: Benign. Review status: criteria provided, single submitter. Criteria: ACMG Guidelines, 2015. Collection method: not provided. Allele origin: germline. Inheritance: Unknown mechanism. Affected: yes.

PreventionGenetics, part of Exact Sciences
Classification: Benign for ITSN1-related condition. Last evaluated: 2019-06-07. Review status: no assertion criteria provided. Collection method: clinical testing. Allele origin: germline. Not counted in ClinVar's aggregate classification.
Comment: This variant is classified as benign based on ACMG/AMP sequence variant interpretation guidelines (Richards et al. 2015 PMID: 25741868, with internal and published modifications).

NM_003024.3(ITSN1):c.1566C>T (p.Ala522=)

Gene: ITSN1 (intersectin 1; plus strand). Cytogenetic location: 21q22.11.
Variant type: single nucleotide variant.
Coding change: c.1566C>T on transcript NM_003024.3 (MANE Select); coding-DNA position 1566, C replaced by T.
Protein change: p.Ala522=; no amino-acid change (alanine 522 retained).
Molecular consequence: synonymous variant.
Genome position (GRCh38, 1-based): chr21:33,775,078, C>T. VCF-style: chr21-33775078-C-T. GRCh37 (hg19) VCF-style: chr21-35147382-C-T.
Other names: c.1566C>T, p.Ala522= (NM_001001132.2, NM_001331008.2, NM_001331009.2 and 2 more transcripts); c.1455C>T, p.Ala485= (NM_001331012.2); c.1566C>T (NM_003024.2).
Identifiers: ClinVar variation 791214 (VCV000791214.6), dbSNP rs112319566, ClinGen allele CA10011599.
Genomic context (GRCh38, chr21:33,775,078, plus strand): 5'-ATTGACCACCCAAAGGCAAGAAATTGAGAGCACAAACAAATCTAGAGAGTTGAGAATTGC[C>T]GAAATCACCCATCTACAGCAACAATTACAGGTGAGGAAATATGCCTCTTAAAAGCTATTA-3'
Protein context (NP_003015.2, residues 512-532): STNKSRELRI[Ala522=]EITHLQQQLQ